The following is an entry in ClinVar:

NM_024675.4(PALB2):c.1193T>G (p.Val398Gly)

Gene: PALB2 (partner and localizer of BRCA2; minus strand). Cytogenetic location: 16p12.2.
Variant type: single nucleotide variant.
Coding change: c.1193T>G on transcript NM_024675.4 (MANE Select); coding-DNA position 1193, T replaced by G.
Protein change: p.Val398Gly; replaces valine 398 with glycine.
Molecular consequence: missense variant.
Genome position (GRCh38, 1-based): chr16:23,635,353, A>C on the plus strand (T>G on the coding strand, the complement: PALB2 is on the minus strand). VCF-style: chr16-23635353-A-C. GRCh37 (hg19) VCF-style: chr16-23646674-A-C.
Other names: short protein forms V398G.
Identifiers: ClinVar variation 948085 (VCV000948085.13), dbSNP rs1461956026, ClinGen allele CA395133271.

ClinVar aggregate classification (germline): Uncertain significance. Review status: criteria provided, multiple submitters, no conflicts (2 of 4 stars). 2 submissions from 2 submitters: Uncertain significance (2). Last evaluated 2024-07-17.

Conditions:
Hereditary cancer-predisposing syndrome. Also called: Hereditary neoplastic syndrome; Neoplastic Syndromes, Hereditary; Tumor predisposition; Hereditary Cancer Syndrome. Identifiers: Orphanet 140162, MedGen C0027672, MeSH D009386, MONDO:0015356.
Familial cancer of breast. Also called: Hereditary breast cancer; hereditary breast carcinoma; BREAST CANCER, FAMILIAL. Identifiers: Orphanet 227535, MedGen C0346153, MONDO:0016419, OMIM 114480. Disease mechanism: loss of function.

Allele frequency attached by ClinVar (database versions not stated): gnomAD exomes below 0.00001; TOPMed below 0.00001.

Submissions (2):

Labcorp Genetics (formerly Invitae), Labcorp
Classification: Uncertain significance for Familial cancer of breast. Last evaluated: 2024-07-17. Review status: criteria provided, single submitter. Criteria: Invitae Variant Classification Sherloc (09022015). Collection method: clinical testing. Allele origin: germline.
Comment: This sequence change replaces valine, which is neutral and non-polar, with glycine, which is neutral and non-polar, at codon 398 of the PALB2 protein (p.Val398Gly). This variant is present in population databases (no rsID available, gnomAD 0.006%). This variant has not been reported in the literature in individuals affected with PALB2-related conditions. ClinVar contains an entry for this variant (Variation ID: 948085). Advanced modeling of protein sequence and biophysical properties (such as structural, functional, and spatial information, amino acid conservation, physicochemical variation, residue mobility, and thermodynamic stability) has been performed at Invitae for this missense variant, however the output from this modeling did not meet the statistical confidence thresholds required to predict the impact of this variant on PALB2 protein function. In summary, the available evidence is currently insufficient to determine the role of this variant in disease. Therefore, it has been classified as a Variant of Uncertain Significance.

Ambry Genetics
Classification: Uncertain significance for Hereditary cancer-predisposing syndrome. Last evaluated: 2024-03-06. Review status: criteria provided, single submitter. Criteria: Ambry Variant Classification Scheme 2023. Collection method: clinical testing. Allele origin: germline.
Comment: The p.V398G variant (also known as c.1193T>G), located in coding exon 4 of the PALB2 gene, results from a T to G substitution at nucleotide position 1193. The valine at codon 398 is replaced by glycine, an amino acid with dissimilar properties. This amino acid position is poorly conserved in available vertebrate species. In addition, this alteration is predicted to be tolerated by in silico analysis. Since supporting evidence is limited at this time, the clinical significance of this alteration remains unclear.